The following is an entry in ClinVar:

ClinVar aggregate classification (germline): Uncertain significance (1 of 4 stars; one submission).

Conditions:
Combined immunodeficiency due to STIM1 deficiency. Also called: IMMUNODEFICIENCY 10; STIM1 DEFICIENCY. Identifiers: Orphanet 169090, Orphanet 317430, MedGen C2748557, MONDO:0013008, OMIM 612783.
Stormorken syndrome (STRMK). Also called: THROMBOCYTOPATHY, ASPLENIA, AND MIOSIS. Identifiers: Orphanet 3204, MedGen C1861451, MONDO:0008497, OMIM 185070.
Myopathy with tubular aggregates (TAM). Also called: Tubular Aggregate Myopathy. Identifiers: Orphanet 2593, MedGen C0410207, MONDO:0008051.

Submission:

Labcorp Genetics (formerly Invitae), Labcorp
Classification: Uncertain significance for Myopathy with tubular aggregates; Combined immunodeficiency due to STIM1 deficiency; Stormorken syndrome. Last evaluated: 2023-11-25. Review status: criteria provided, single submitter. Criteria: Invitae Variant Classification Sherloc (09022015). Collection method: clinical testing. Allele origin: germline.
Comment: This sequence change replaces methionine, which is neutral and non-polar, with valine, which is neutral and non-polar, at codon 597 of the STIM1 protein (p.Met597Val). This variant is not present in population databases (gnomAD no frequency). This variant has not been reported in the literature in individuals affected with STIM1-related conditions. Advanced modeling of protein sequence and biophysical properties (such as structural, functional, and spatial information, amino acid conservation, physicochemical variation, residue mobility, and thermodynamic stability) has been performed at Invitae for this missense variant, however the output from this modeling did not meet the statistical confidence thresholds required to predict the impact of this variant on STIM1 protein function. In summary, the available evidence is currently insufficient to determine the role of this variant in disease. Therefore, it has been classified as a Variant of Uncertain Significance.

NM_001382567.1(STIM1):c.1882A>G (p.Met628Val)

Genes: STIM1 (stromal interaction molecule 1; plus strand), LOC124418421 (Sharpr-MPRA regulatory region 9588; plus strand). Cytogenetic location: 11p15.4.
Variant type: single nucleotide variant.
Coding change: c.1882A>G on transcript NM_001382567.1 (MANE Select); coding-DNA position 1882, A replaced by G.
Protein change: p.Met628Val; replaces methionine 628 with valine.
Molecular consequence: missense variant. On other transcripts: 3 prime UTR variant (4), non-coding transcript variant (3).
Genome position (GRCh38, 1-based): chr11:4,091,529, A>G. VCF-style: chr11-4091529-A-G. GRCh37 (hg19) VCF-style: chr11-4112759-A-G.
Other names: c.1567A>G, p.Met523Val (NM_001382576.1, NM_001382577.1, NM_001382575.1); c.*203A>G (NM_001382578.1, NM_001382579.1, NM_001382580.1 and 1 more transcripts); c.1300A>G, p.Met434Val (NM_001382581.1); c.1789A>G, p.Met597Val (NM_003156.4); c.2107A>G, p.Met703Val (NM_001277961.3); c.1885A>G, p.Met629Val (NM_001382566.1); c.1810A>G, p.Met604Val (NM_001382568.1); c.1654A>G, p.Met552Val (NM_001382569.1); and 2 more; short protein forms M597V, M437V, M523V, M604V, M552V, M628V, M703V, M434V.
Identifiers: ClinVar variation 2954231 (VCV002954231.3), dbSNP rs2498544474, ClinGen allele CA379197386.